The following is an entry in ClinVar:

ClinVar aggregate classification (germline): Uncertain significance (1 of 4 stars; one submission).

Submission:

Laboratory for Molecular Medicine, Mass General Brigham Personalized Medicine
Classification: Uncertain significance. Last evaluated: 2010-08-30. Review status: criteria provided, single submitter. Criteria: LMM Criteria. Collection method: clinical testing. Allele origin: somatic. Observed: 5 variant alleles.
Comment: Leu747Leu is not anticipated to alter the protein structure or function.

Literature cited by the submitters: PubMed 17368623; PubMed 19536777.

NM_005228.5(EGFR):c.2239T>C (p.Leu747=)

Gene: EGFR (epidermal growth factor receptor; plus strand). Cytogenetic location: 7p11.2.
Variant type: single nucleotide variant.
Coding change: c.2239T>C on transcript NM_005228.5 (MANE Select); coding-DNA position 2239, T replaced by C.
Protein change: p.Leu747=; no amino-acid change (leucine 747 retained).
Molecular consequence: synonymous variant.
Genome position (GRCh38, 1-based): chr7:55,174,776, T>C. VCF-style: chr7-55174776-T-C. GRCh37 (hg19) VCF-style: chr7-55242469-T-C.
Other names: c.2104T>C, p.Leu702= (NM_001346897.2, NM_001346899.2); c.2239T>C, p.Leu747= (NM_001346898.2); c.2080T>C, p.Leu694= (NM_001346900.2); c.1438T>C, p.Leu480= (NM_001346941.2).
Identifiers: ClinVar variation 45234 (VCV000045234.4), dbSNP rs397517095, ClinGen allele CA135797.